The following is an entry in ClinVar:

NM_000212.3(ITGB3):c.1456del (p.Cys486fs)

Gene: ITGB3 (integrin subunit beta 3; plus strand). Cytogenetic location: 17q21.32.
Variant type: Deletion.
Coding change: c.1456del on transcript NM_000212.3 (MANE Select); coding-DNA position 1456, one base deleted (T; older notation c.1456delT).
Protein change: p.Cys486fs; shifts the reading frame from cysteine 486.
Molecular consequence: frameshift variant.
Genome position (GRCh38, 1-based): chr17:47,292,334, T deleted. VCF-style (leftmost placement, unchanged base first): chr17-47292333-AT-A. GRCh37 (hg19) VCF-style: chr17-45369699-AT-A.
Other names: short protein forms C486fs.
Identifiers: ClinVar variation 1210187 (VCV001210187.1), dbSNP rs2143113218, ClinGen allele CA915940376.

ClinVar aggregate classification (germline): Pathogenic (3 of 4 stars; one submission).

Conditions:
Glanzmann thrombasthenia. Also called: BLEEDING DISORDER, PLATELET-TYPE, 2; THROMBASTHENIA OF GLANZMANN AND NAEGELI; PLATELET GLYCOPROTEIN IIb-IIIa DEFICIENCY; Thrombasthenia; Glanzmann's thrombasthenia. Identifiers: Orphanet 849, MedGen C0040015, MONDO:0100326.

Submission:

ClinGen Platelet Disorders Variant Curation Expert Panel, ClinGen
Classification: Pathogenic for Glanzmann thrombasthenia. Last evaluated: 2021-08-17. Review status: reviewed by expert panel. Criteria: ClinGen Platelet ACMG Specifications v2. Collection method: curation. Allele origin: germline. Inheritance: Autosomal recessive inheritance.
Comment: The p.Cys486Alafs*183 variant in exon 10 of ITGB3 gene is predicted to introduce a premature stop codon 183 amino acids downstream and result in NMD. This variant is absent from large population databases including gnomAD. It has been reported previously in compound heterozygous state with another pathogenic variant (p.Arg287Serfs*34) in one proband who meets the ClinGen PD-VCEP criteria for the GT phenotype. The variant meets criteria for PVS1, PP4_moderate, PM3_supporting and PM2_supporting and is classified as pathogenic.